The following is an entry in ClinVar:

NM_002133.3(HMOX1):c.130C>T (p.Arg44Ter)

Gene: HMOX1 (heme oxygenase 1; plus strand). Cytogenetic location: 22q12.3.
Variant type: single nucleotide variant.
Coding change: c.130C>T on transcript NM_002133.3 (MANE Select); coding-DNA position 130, C replaced by T.
Protein change: p.Arg44Ter; replaces arginine 44 with a stop codon.
Molecular consequence: nonsense.
Genome position (GRCh38, 1-based): chr22:35,383,212, C>T. VCF-style: chr22-35383212-C-T. GRCh37 (hg19) VCF-style: chr22-35779205-C-T.
Other names: short protein forms R44*.
Identifiers: ClinVar variation 1326850 (VCV001326850.4), dbSNP rs756151512, ClinGen allele CA10204619.
Genomic context (GRCh38, chr22:35,383,212, plus strand): 5'-GTGCACACCCAGGCAGAGAATGCTGAGTTCATGAGGAACTTTCAGAAGGGCCAGGTGACC[C>T]GAGACGGCTTCAAGGTATGTGGCTTGGTGGGACTAGCCCTGGTGGAGGGTGTGGCAGGTG-3'

ClinVar aggregate classification (germline): Pathogenic. Review status: criteria provided, single submitter (1 of 4 stars). 2 submissions from 2 submitters: Pathogenic (1). 1 of the submissions does not count toward it. Last evaluated 2025-10-15.

Conditions:
Heme oxygenase 1 deficiency (HMOX1D). Identifiers: Orphanet 562509, MedGen C1841651, MONDO:0013536, OMIM 614034.

Allele frequency attached by ClinVar (database versions not stated): gnomAD 0.00002 and 0.00001; gnomAD exomes below 0.00001; ExAC 0.00001; TOPMed 0.00002.

Submissions (2):

Labcorp Genetics (formerly Invitae), Labcorp
Classification: Pathogenic. Last evaluated: 2025-10-15. Review status: criteria provided, single submitter. Criteria: Invitae Variant Classification Sherloc (09022015). Collection method: clinical testing. Allele origin: germline.
Comment: This sequence change creates a premature translational stop signal (p.Arg44*) in the HMOX1 gene. It is expected to result in an absent or disrupted protein product. Loss-of-function variants in HMOX1 are known to be pathogenic (PMID: 9884342, 21088618). The frequency data for this variant in the population databases is considered unreliable, as metrics indicate poor data quality at this position in the gnomAD database. This premature translational stop signal has been observed in individual(s) with heme oxygenase 1 deficiency (PMID: 21088618). ClinVar contains an entry for this variant (Variation ID: 1326850). For these reasons, this variant has been classified as Pathogenic.

OMIM
Classification: Pathogenic for HEME OXYGENASE 1 DEFICIENCY. Last evaluated: 2021-11-30. Review status: no assertion criteria provided. Collection method: literature only. Allele origin: germline. Not counted in ClinVar's aggregate classification.

Literature cited by the submitters: PubMed 9884342 (cited by Labcorp Genetics (formerly Invitae), Labcorp); PubMed 21088618 (cited by Labcorp Genetics (formerly Invitae), Labcorp and OMIM); PubMed 22023467 (cited by OMIM); PubMed 26526137 (cited by OMIM).